The following is an entry in ClinVar:

NM_000089.4(COL1A2):c.3759A>T (p.Gln1253His)

Gene: COL1A2 (collagen type I alpha 2 chain; plus strand). Cytogenetic location: 7q21.3.
Variant type: single nucleotide variant.
Coding change: c.3759A>T on transcript NM_000089.4 (MANE Select); coding-DNA position 3759, A replaced by T.
Protein change: p.Gln1253His; replaces glutamine 1253 with histidine.
Molecular consequence: missense variant.
Genome position (GRCh38, 1-based): chr7:94,429,235, A>T. VCF-style: chr7-94429235-A-T. GRCh37 (hg19) VCF-style: chr7-94058547-A-T.
Other names: short protein forms Q1253H.
Identifiers: ClinVar variation 4783368 (VCV004783368.1).

ClinVar aggregate classification (germline): Uncertain significance (1 of 4 stars; one submission).

Conditions:
Ehlers-Danlos syndrome, classic type, 1 (EDSCL1). Also called: EHLERS-DANLOS SYNDROME, GRAVIS TYPE; EHLERS-DANLOS SYNDROME, SEVERE CLASSIC TYPE; Ehlers-Danlos syndrome, type 1; Ehlers-Danlos Syndrome, Classic Type, COL5A1-Related; EDS I. Identifiers: MedGen C0268335, MONDO:0019567, OMIM 130000.
Osteogenesis imperfecta type I (OI1). Also called: OI, TYPE I; OSTEOGENESIS IMPERFECTA TARDA; OSTEOGENESIS IMPERFECTA WITH BLUE SCLERAE; Osteogenesis imperfecta type 1; Lobstein's Disease; Lobstein disease. Identifiers: Orphanet 216796, Orphanet 666, MedGen C0023931, MONDO:0008146, OMIM 166200. Disease mechanism: loss of function.

gnomAD v4.1: 1 of 1,613,240 alleles (0.000062%); highest among the groups gnomAD compares: Non-Finnish European, 0.000085%; no homozygotes.

Submission:

Labcorp Genetics (formerly Invitae), Labcorp
Classification: Uncertain significance for Osteogenesis imperfecta type I; Ehlers-Danlos syndrome, classic type, 1. Last evaluated: 2025-11-20. Review status: criteria provided, single submitter. Criteria: Invitae Variant Classification Sherloc (09022015). Collection method: clinical testing. Allele origin: germline.
Comment: This sequence change replaces glutamine, which is neutral and polar, with histidine, which is basic and polar, at codon 1253 of the COL1A2 protein (p.Gln1253His). This variant is not present in population databases (gnomAD no frequency). This variant has not been reported in the literature in individuals affected with COL1A2-related conditions. Invitae Evidence Modeling of protein sequence and biophysical properties (such as structural, functional, and spatial information, amino acid conservation, physicochemical variation, residue mobility, and thermodynamic stability) indicates that this missense variant is expected to disrupt COL1A2 protein function with a positive predictive value of 95%. In summary, the available evidence is currently insufficient to determine the role of this variant in disease. Therefore, it has been classified as a Variant of Uncertain Significance.